The following is an entry in ClinVar:

NM_020987.5(ANK3):c.8174G>A (p.Gly2725Asp)

Gene: ANK3 (ankyrin 3; minus strand). Cytogenetic location: 10q21.2.
Variant type: single nucleotide variant.
Coding change: c.8174G>A on transcript NM_020987.5 (MANE Select); coding-DNA position 8174, G replaced by A.
Protein change: p.Gly2725Asp; replaces glycine 2725 with aspartic acid.
Molecular consequence: missense variant. On other transcripts: intron variant (4).
Genome position (GRCh38, 1-based): chr10:60,072,707, C>T on the plus strand (G>A on the coding strand, the complement: ANK3 is on the minus strand). VCF-style: chr10-60072707-C-T. GRCh37 (hg19) VCF-style: chr10-61832465-C-T.
Other names: c.4388-4698G>A (NM_001204403.2); c.4409-4698G>A (NM_001204404.2); c.4406-4698G>A (NM_001320874.2); c.1808-4698G>A (NM_001149.4); short protein forms G2725D.
Identifiers: ClinVar variation 1476703 (VCV001476703.7), dbSNP rs993289778, ClinGen allele CA207325558.

ClinVar aggregate classification (germline): Conflicting classifications of pathogenicity. Review status: criteria provided, conflicting classifications (1 of 4 stars). 2 submissions from 2 submitters: Uncertain significance (1); Benign (1). Last evaluated 2025-10-21.

Allele frequency attached by ClinVar (database versions not stated): gnomAD 0.00001.
gnomAD v4.1: 4 of 1,613,582 alleles (0.00025%); highest among the groups gnomAD compares: Admixed American, 0.0017%; no homozygotes.

Submissions (2):

Labcorp Genetics (formerly Invitae), Labcorp
Classification: Uncertain significance. Last evaluated: 2025-10-21. Review status: criteria provided, single submitter. Criteria: Invitae Variant Classification Sherloc (09022015). Collection method: clinical testing. Allele origin: germline.
Comment: This sequence change replaces glycine, which is neutral and non-polar, with aspartic acid, which is acidic and polar, at codon 2725 of the ANK3 protein (p.Gly2725Asp). This variant is not present in population databases (gnomAD no frequency). This variant has not been reported in the literature in individuals affected with ANK3-related conditions. ClinVar contains an entry for this variant (Variation ID: 1476703). Invitae Evidence Modeling of protein sequence and biophysical properties (such as structural, functional, and spatial information, amino acid conservation, physicochemical variation, residue mobility, and thermodynamic stability) indicates that this missense variant is not expected to disrupt ANK3 protein function with a negative predictive value of 80%. In summary, the available evidence is currently insufficient to determine the role of this variant in disease. Therefore, it has been classified as a Variant of Uncertain Significance.

Mendelics
Classification: Benign. Last evaluated: 2022-05-04. Review status: criteria provided, single submitter. Criteria: Mendelics Assertion Criteria 2019. Collection method: clinical testing. Allele origin: germline.